The following is an entry in ClinVar:

ClinVar aggregate classification (germline): Pathogenic (1 of 4 stars; one submission).

Conditions:
Cardiovascular phenotype. Identifiers: MedGen CN230736.
Hereditary cancer-predisposing syndrome. Also called: Neoplastic Syndromes, Hereditary; Tumor predisposition; Hereditary Cancer Syndrome; Hereditary neoplastic syndrome. Identifiers: Orphanet 140162, MedGen C0027672, MeSH D009386, MONDO:0015356.

Submission:

Ambry Genetics
Classification: Pathogenic for Cardiovascular phenotype; Hereditary cancer-predisposing syndrome. Last evaluated: 2026-04-24. Review status: criteria provided, single submitter. Criteria: Ambry Variant Classification Scheme 2023. Collection method: clinical testing. Allele origin: germline.
Comment: The c.3342_3399del58 pathogenic mutation, located in coding exon 26 of the NF1 gene, results from a deletion of 58 nucleotides at nucleotide positions 3342 to 3399, causing a translational frameshift with a predicted alternate stop codon (p.N1115Cfs*8). This variant was reported in individual(s) with features consistent with Neurofibromatosis type 1 (Ambry internal data). This variant is considered to be rare based on population cohorts in the Genome Aggregation Database (gnomAD). This alteration is expected to result in loss of function by premature protein truncation or nonsense-mediated mRNA decay. As such, this alteration is interpreted as a disease-causing mutation.

NM_001042492.3(NF1):c.3342_3399del (p.Asn1115fs)

Gene: NF1 (neurofibromin 1; plus strand). Cytogenetic location: 17q11.2.
Variant type: Deletion.
Coding change: c.3342_3399del on transcript NM_001042492.3 (MANE Select); coding-DNA positions 3342 to 3399, 58 bases deleted.
Protein change: p.Asn1115fs; shifts the reading frame from asparagine 1115.
Molecular consequence: frameshift variant.
Genome position (GRCh38, 1-based): chr17:31,232,727-31,232,784, 58 bases deleted. GRCh37 (hg19): chr17:29,559,745-29,559,802.
Other names: c.3342_3399del, p.Asn1115fs (NM_000267.4); short protein forms N1115fs.
Identifiers: ClinVar variation 4860937 (VCV004860937.1).